The following is an entry in ClinVar:

NM_001170629.2(CHD8):c.7559C>G (p.Pro2520Arg)

Gene: CHD8 (chromodomain helicase DNA binding protein 8; minus strand). Cytogenetic location: 14q11.2.
Variant type: single nucleotide variant.
Coding change: c.7559C>G on transcript NM_001170629.2 (MANE Select); coding-DNA position 7559, C replaced by G.
Protein change: p.Pro2520Arg; replaces proline 2520 with arginine.
Molecular consequence: missense variant.
Genome position (GRCh38, 1-based): chr14:21,385,800, G>C on the plus strand (C>G on the coding strand, the complement: CHD8 is on the minus strand). VCF-style: chr14-21385800-G-C. GRCh37 (hg19) VCF-style: chr14-21853959-G-C.
Other names: c.6722C>G, p.Pro2241Arg (NM_020920.4); short protein forms P2241R, P2520R.
Identifiers: ClinVar variation 2442733 (VCV002442733.1), dbSNP rs2501812104, ClinGen allele CA388874807.

ClinVar aggregate classification (germline): Uncertain significance (1 of 4 stars; one submission).

gnomAD v4.1: 1 of 1,550,730 alleles (0.000064%); highest among the groups gnomAD compares: Non-Finnish European, 0.000087%; no homozygotes.

Submission:

GeneDx
Classification: Uncertain significance. Last evaluated: 2023-02-28. Review status: criteria provided, single submitter. Criteria: GeneDx Variant Classification Process June 2021. Collection method: clinical testing. Allele origin: germline. Affected: yes.
Comment: Not observed at significant frequency in large population cohorts (gnomAD); In silico analysis supports that this missense variant does not alter protein structure/function; Has not been previously published as pathogenic or benign to our knowledge